The following is an entry in ClinVar:

ClinVar aggregate classification (germline): Pathogenic (1 of 4 stars; one submission).

Conditions:
Lafora disease. Also called: Epilepsy progressive myoclonic 2. Identifiers: Orphanet 501, MedGen C0751783, MONDO:0009697.

Submission:

Labcorp Genetics (formerly Invitae), Labcorp
Classification: Pathogenic for Lafora disease. Last evaluated: 2023-08-27. Review status: criteria provided, single submitter. Criteria: Invitae Variant Classification Sherloc (09022015). Collection method: clinical testing. Allele origin: germline.
Comment: For these reasons, this variant has been classified as Pathogenic. A similar copy number variant has been observed in individual(s) with Lafora disease (PMID: 17389303, 23317923). A gross deletion of the genomic region encompassing the full coding sequence of the NHLRC1 gene has been identified. Loss-of-function variants in NHLRC1 are known to be pathogenic (PMID: 15781812). The boundaries of this event are unknown as they extend beyond the assayed region for this gene and therefore may encompass additional genes.

Literature cited by the submitters: PubMed 17389303; PubMed 23317923; PubMed 15781812.

NC_000006.11:g.(?_18121650)_(18149358_?)del

Genes: NHLRC1 (NHL repeat containing E3 ubiquitin protein ligase 1; minus strand), TPMT (thiopurine S-methyltransferase; minus strand). Cytogenetic location: 6p22.3.
Variant type: Deletion.
Identifiers: ClinVar variation 1460040 (VCV001460040.5).